The following is an entry in ClinVar:

ClinVar aggregate classification (germline): Uncertain significance (1 of 4 stars; one submission).

Conditions:
Methylcobalamin deficiency type cblG (HMAG). Also called: Functional methionine synthase deficiency type cblG; HOMOCYSTINURIA-MEGALOBLASTIC ANEMIA DUE TO DEFECT IN COBALAMIN METABOLISM, cblG COMPLEMENTATION TYPE; HOMOCYSTINURIA-MEGALOBLASTIC ANEMIA, cblG TYPE; HOMOCYSTINURIA-MEGALOBLASTIC ANEMIA, cblG COMPLEMENTATION TYPE. Identifiers: Orphanet 2170, Orphanet 622, MedGen C1855128, MONDO:0009609, OMIM 250940.

Submission:

Labcorp Genetics (formerly Invitae), Labcorp
Classification: Uncertain significance for Methylcobalamin deficiency type cblG. Last evaluated: 2022-09-12. Review status: criteria provided, single submitter. Criteria: Invitae Variant Classification Sherloc (09022015). Collection method: clinical testing. Allele origin: germline.
Comment: In summary, the available evidence is currently insufficient to determine the role of this variant in disease. Therefore, it has been classified as a Variant of Uncertain Significance. Advanced modeling of protein sequence and biophysical properties (such as structural, functional, and spatial information, amino acid conservation, physicochemical variation, residue mobility, and thermodynamic stability) performed at Invitae indicates that this missense variant is expected to disrupt MTR protein function. This variant has not been reported in the literature in individuals affected with MTR-related conditions. This variant is not present in population databases (gnomAD no frequency). This sequence change replaces glycine, which is neutral and non-polar, with glutamic acid, which is acidic and polar, at codon 465 of the MTR protein (p.Gly465Glu).

NM_000254.3(MTR):c.1394G>A (p.Gly465Glu)

Gene: MTR (5-methyltetrahydrofolate-homocysteine methyltransferase; plus strand). Cytogenetic location: 1q43.
Variant type: single nucleotide variant.
Coding change: c.1394G>A on transcript NM_000254.3 (MANE Select); coding-DNA position 1394, G replaced by A.
Protein change: p.Gly465Glu; replaces glycine 465 with glutamic acid.
Molecular consequence: missense variant.
Genome position (GRCh38, 1-based): chr1:236,838,478, G>A. VCF-style: chr1-236838478-G-A. GRCh37 (hg19) VCF-style: chr1-237001778-G-A.
Other names: c.1394G>A, p.Gly465Glu (NM_001291939.1, NM_001410942.1); c.173G>A, p.Gly58Glu (NM_001291940.2); short protein forms G58E, G465E.
Identifiers: ClinVar variation 2119544 (VCV002119544.4), dbSNP rs1663033972, ClinGen allele CA345394997.
Genomic context (GRCh38, chr1:236,838,478, plus strand): 5'-CTTTGTGCATCGACTCCTCCAATTTTGCTGTGATTGAAGCTGGGTTAAAGTGCTGCCAAG[G>A]GAAGTGCATTGTCAATAGCATTAGTCTGAAGGAAGGAGAGGACGACTTCTTGGAGAAGGC-3'
Protein context (NP_000245.2, residues 455-475): VIEAGLKCCQ[Gly465Glu]KCIVNSISLK